The following is an entry in ClinVar:

ClinVar aggregate classification (germline): Uncertain significance (1 of 4 stars; one submission).

Conditions:
Upshaw-Schulman syndrome (TTP). Also called: THROMBOTIC THROMBOCYTOPENIC PURPURA, HEREDITARY; Congenital thrombotic thrombocytopenic purpura. Identifiers: Orphanet 93583, MedGen C1268935, MONDO:0010122, OMIM 274150.

Allele frequency attached by ClinVar (database versions not stated): TOPMed below 0.00001; gnomAD 0.00001.
gnomAD v4.1: 1 of 1,612,822 alleles (0.000062%); highest among the groups gnomAD compares: Non-Finnish European, 0.000085%; no homozygotes.

Submission:

Clinical Genomics Laboratory, Washington University in St. Louis
Classification: Uncertain significance for Upshaw-Schulman syndrome. Last evaluated: 2024-01-26. Review status: criteria provided, single submitter. Criteria: ACMG Guidelines, 2015. Collection method: clinical testing. Allele origin: germline.
Comment: The ADAMTS13 c.4039G>A (p.Gly1347Ser) variant, to our knowledge, has not been reported in association with renal disease in the medical literature. This variant is only observed on 1/152,194 alleles in the general population (gnomAD v4.0.0), indicating it is not a common variant. Computational predictors suggest that the variant does not impact ADAMTS13 function. Due to limited information, and based on ACMG/AMP guidelines for variant interpretation (Richards S et al., PMID: 25741868), the clinical significance of the ADAMTS13 c.4039G>A (p.Gly1347Ser) variant is uncertain at this time.

NM_139027.6(ADAMTS13):c.4039G>A (p.Gly1347Ser)

Gene: ADAMTS13 (ADAM metallopeptidase with thrombospondin type 1 motif 13; plus strand). Cytogenetic location: 9q34.2.
Variant type: single nucleotide variant.
Coding change: c.4039G>A on transcript NM_139027.6 (MANE Select); coding-DNA position 4039, G replaced by A.
Protein change: p.Gly1347Ser; replaces glycine 1347 with serine.
Molecular consequence: missense variant. On other transcripts: non-coding transcript variant (1).
Genome position (GRCh38, 1-based): chr9:133,459,103, G>A. VCF-style: chr9-133459103-G-A. GRCh37 (hg19) VCF-style: chr9-136324225-G-A.
Other names: c.4207G>A, p.Gly1403Ser (NM_139025.5); c.3946G>A, p.Gly1316Ser (NM_139026.6); short protein forms G1316S, G1347S, G1403S.
Identifiers: ClinVar variation 3237409 (VCV003237409.1), dbSNP rs1488511284.
Genomic context (GRCh38, chr9:133,459,103, plus strand): 5'-AGCAGCCAGGCTGAGATGGAGTTCAGCGAGGGCTTCCTGAAGGCTCAGGCCAGCCTGCGG[G>A]GCCAGTACTGGACCCTCCAATCATGGGTACCGGAGATGCAGGACCCTCAGTCCTGGAAGG-3'
Protein context (NP_620596.2, residues 1337-1357): GFLKAQASLR[Gly1347Ser]QYWTLQSWVP